The following is an entry in ClinVar:

NM_153704.6(TMEM67):c.1066-2A>G

Gene: TMEM67 (transmembrane protein 67; plus strand). Cytogenetic location: 8q22.1.
Variant type: single nucleotide variant.
Coding change: c.1066-2A>G on transcript NM_153704.6 (MANE Select); the canonical splice acceptor site of the intron before coding-DNA position 1066, A replaced by G.
Molecular consequence: splice acceptor variant.
Genome position (GRCh38, 1-based): chr8:93,782,393, A>G. VCF-style: chr8-93782393-A-G. GRCh37 (hg19) VCF-style: chr8-94794621-A-G.
Other names: c.823-2A>G (NM_001142301.1).
Identifiers: ClinVar variation 4881473 (VCV004881473.2).

ClinVar aggregate classification (germline): Likely pathogenic (1 of 4 stars; one submission).

Submission:

Dasa
Classification: Likely pathogenic. Last evaluated: 2026-03-29. Review status: criteria provided, single submitter. Criteria: DASA Assertion Criteria. Collection method: clinical testing. Allele origin: germline.
Comment: NM_153704.6(TMEM67):c.1066-2A>G affects a canonical splice site and is predicted to disrupt normal RNA splicing. Loss of function is an established disease mechanism for TMEM67-associated disorders. Also, this variant is rare in population databases. Based on the currently available evidence, this variant is classified as likely pathogenic.